The following is an entry in ClinVar:

ClinVar aggregate classification (germline): Uncertain significance (1 of 4 stars; one submission).

Conditions:
Benign neonatal seizures. Also called: Convulsions benign familial neonatal dominant form; Autosomal dominant form of benign neonatal seizures; Benign neonatal familial convulsions; Benign familial neonatal epilepsy; Benign familial neonatal seizures. Identifiers: Orphanet 1949, MedGen C0220669, MONDO:0016027.

Submission:

Labcorp Genetics (formerly Invitae), Labcorp
Classification: Uncertain significance for Benign neonatal seizures. Last evaluated: 2020-07-07. Review status: criteria provided, single submitter. Criteria: Invitae Variant Classification Sherloc (09022015). Collection method: clinical testing. Allele origin: germline.
Comment: In summary, the available evidence is currently insufficient to determine the role of this variant in disease. Therefore, it has been classified as a Variant of Uncertain Significance. Algorithms developed to predict the effect of missense changes on protein structure and function are either unavailable or do not agree on the potential impact of this missense change (SIFT: "Deleterious"; PolyPhen-2: "Probably Damaging"; Align-GVGD: "Class C0"). This variant has not been reported in the literature in individuals with KCNQ3-related conditions. This variant is not present in population databases (ExAC no frequency). This sequence change replaces threonine with asparagine at codon 316 of the KCNQ3 protein (p.Thr316Asn). The threonine residue is highly conserved and there is a small physicochemical difference between threonine and asparagine.

NM_004519.4(KCNQ3):c.947C>A (p.Thr316Asn)

Gene: KCNQ3 (potassium voltage-gated channel subfamily Q member 3; minus strand). Cytogenetic location: 8q24.22.
Variant type: single nucleotide variant.
Coding change: c.947C>A on transcript NM_004519.4 (MANE Select); coding-DNA position 947, C replaced by A.
Protein change: p.Thr316Asn; replaces threonine 316 with asparagine.
Molecular consequence: missense variant.
Genome position (GRCh38, 1-based): chr8:132,174,336, G>T on the plus strand (C>A on the coding strand, the complement: KCNQ3 is on the minus strand). VCF-style: chr8-132174336-G-T. GRCh37 (hg19) VCF-style: chr8-133186583-G-T.
Other names: c.587C>A, p.Thr196Asn (NM_001204824.2); short protein forms T196N, T316N.
Identifiers: ClinVar variation 999109 (VCV000999109.8), dbSNP rs1826477775, ClinGen allele CA372290251.